The following is an entry in ClinVar:

NM_017662.5(TRPM6):c.1722C>A (p.Tyr574Ter)

Gene: TRPM6 (transient receptor potential cation channel subfamily M member 6; minus strand). Cytogenetic location: 9q21.13.
Variant type: single nucleotide variant.
Coding change: c.1722C>A on transcript NM_017662.5 (MANE Select); coding-DNA position 1722, C replaced by A.
Protein change: p.Tyr574Ter; replaces tyrosine 574 with a stop codon.
Molecular consequence: nonsense.
Genome position (GRCh38, 1-based): chr9:74,803,803, G>T on the plus strand (C>A on the coding strand, the complement: TRPM6 is on the minus strand). VCF-style: chr9-74803803-G-T. GRCh37 (hg19) VCF-style: chr9-77418719-G-T.
Other names: c.1707C>A, p.Tyr569Ter (NM_001177310.2, NM_001177311.2); short protein forms Y569*, Y574*.
Identifiers: ClinVar variation 2081586 (VCV002081586.5), dbSNP rs200734621, ClinGen allele CA5084752.
Genomic context (GRCh38, chr9:74,803,803, plus strand): 5'-CGAGCTGCAAAAAACATTTTCCTTTCAAGTTGAAAAACAAGTAAATGGTACCTTGAATTT[G>T]TATGGCTGTGCAGTTCTAATGAACTGGGAGTGCAGCGTACTTTCTGCAGACTCATTTCTA-3'

ClinVar aggregate classification (germline): Pathogenic. Review status: criteria provided, multiple submitters, no conflicts (2 of 4 stars). 2 submissions from 2 submitters: Pathogenic (2). Last evaluated 2025-12-03.

Conditions:
Intestinal hypomagnesemia 1. Also called: HYPOMAGNESEMIA, INTESTINAL, WITH SECONDARY HYPOCALCEMIA; HYPOMAGNESEMIC TETANY. Identifiers: Orphanet 30924, MedGen C1865974, MONDO:0011176, OMIM 602014.

Allele frequency attached by ClinVar (database versions not stated): ExAC 0.00006; gnomAD 0.00001; ESP Exome Variant Server 0.00008.
gnomAD v4.1: 20 of 1,609,202 alleles (0.0012%); highest among the groups gnomAD compares: South Asian, 0.0055%; no homozygotes.

Submissions (2):

3billion
Classification: Pathogenic for Intestinal hypomagnesemia 1. Last evaluated: 2025-12-03. Review status: criteria provided, single submitter. Criteria: ACMG Guidelines, 2015. Collection method: clinical testing. Allele origin: germline. Affected: yes.
Comment: The variant is observed at an extremely low frequency in the gnomAD v4.1.0 dataset (total allele frequency: 0.001%). Predicted Consequence/Location: Stop-gained (nonsense): predicted to result in a loss or disruption of normal protein function through nonsense-mediated decay (NMD) or protein truncation. Multiple pathogenic variants are reported downstream of the variant. The variant has been reported to be associated with TRPM6-related disorder (ClinVar ID: VCV002081586). Therefore, this variant is classified as Pathogenic according to the recommendation of ACMG/AMP guideline.

Labcorp Genetics (formerly Invitae), Labcorp
Classification: Pathogenic. Last evaluated: 2025-10-22. Review status: criteria provided, single submitter. Criteria: Invitae Variant Classification Sherloc (09022015). Collection method: clinical testing. Allele origin: germline.
Comment: This sequence change creates a premature translational stop signal (p.Tyr574*) in the TRPM6 gene. It is expected to result in an absent or disrupted protein product. Loss-of-function variants in TRPM6 are known to be pathogenic (PMID: 16107578). This variant is present in population databases (rs200734621, gnomAD 0.006%). This variant has not been reported in the literature in individuals affected with TRPM6-related conditions. ClinVar contains an entry for this variant (Variation ID: 2081586). Algorithms developed to predict the effect of sequence changes on RNA splicing suggest that this variant may disrupt the consensus splice site. For these reasons, this variant has been classified as Pathogenic.

Literature cited by the submitters: PubMed 16107578 (cited by Labcorp Genetics (formerly Invitae), Labcorp).